The following is an entry in ClinVar:

NM_025137.4(SPG11):c.6122C>T (p.Thr2041Ile)

Gene: SPG11 (SPG11 vesicle trafficking associated, spatacsin; minus strand). Cytogenetic location: 15q21.1.
Variant type: single nucleotide variant.
Coding change: c.6122C>T on transcript NM_025137.4 (MANE Select); coding-DNA position 6122, C replaced by T.
Protein change: p.Thr2041Ile; replaces threonine 2041 with isoleucine.
Molecular consequence: missense variant. On other transcripts: intron variant (1).
Genome position (GRCh38, 1-based): chr15:44,573,630, G>A on the plus strand (C>T on the coding strand, the complement: SPG11 is on the minus strand). VCF-style: chr15-44573630-G-A. GRCh37 (hg19) VCF-style: chr15-44865828-G-A.
Other names: c.5978C>T, p.Thr1993Ile (NM_001411132.1); c.5867-810C>T (NM_001160227.2); short protein forms T2041I, T1993I.
Identifiers: ClinVar variation 1903304 (VCV001903304.2), dbSNP rs2505229955, ClinGen allele CA392218255.
Genomic context (GRCh38, chr15:44,573,630, plus strand): 5'-AGCTCCCGTGTCACCTCTTCTGCCACGAGTTCAGCCACAGTATCTGGCTTAAGGCCCTGT[G>A]TGCTGATGAAGGCCTGGGCTCGTTTGCATCGGTCAGGCTGCTGAGAGGCCAAGATTTTCC-3'
Protein context (NP_079413.3, residues 2031-2051): RCKRAQAFIS[Thr2041Ile]QGLKPDTVAE

ClinVar aggregate classification (germline): Uncertain significance (1 of 4 stars; one submission).

Conditions:
Hereditary spastic paraplegia 11. Also called: SPASTIC PARAPLEGIA, AUTOSOMAL RECESSIVE, COMPLICATED, WITH THIN CORPUS CALLOSUM; SPASTIC PARAPLEGIA, AUTOSOMAL RECESSIVE, WITH MENTAL IMPAIRMENT AND THIN CORPUS CALLOSUM; Spastic paraplegia, mental retardation and thin corpus callosum; Spastic Paraplegia 11; Nakamura Osame syndrome; Autosomal recessive hereditary spastic paraplegia, mental impairment, and thin corpus callosum. Identifiers: Orphanet 2822, MedGen C1858479, MONDO:0011445, OMIM 604360.

Allele frequency attached by ClinVar (database versions not stated): gnomAD exomes below 0.00001.
gnomAD v4.1: 3 of 1,614,194 alleles (0.00019%); highest among the groups gnomAD compares: Non-Finnish European, 0.00025%; no homozygotes.

Submission:

Labcorp Genetics (formerly Invitae), Labcorp
Classification: Uncertain significance for Hereditary spastic paraplegia 11. Last evaluated: 2022-10-10. Review status: criteria provided, single submitter. Criteria: Invitae Variant Classification Sherloc (09022015). Collection method: clinical testing. Allele origin: germline.
Comment: This sequence change replaces threonine, which is neutral and polar, with isoleucine, which is neutral and non-polar, at codon 2041 of the SPG11 protein (p.Thr2041Ile). This variant is not present in population databases (gnomAD no frequency). This variant has not been reported in the literature in individuals affected with SPG11-related conditions. Advanced modeling of protein sequence and biophysical properties (such as structural, functional, and spatial information, amino acid conservation, physicochemical variation, residue mobility, and thermodynamic stability) performed at Invitae indicates that this missense variant is not expected to disrupt SPG11 protein function. In summary, the available evidence is currently insufficient to determine the role of this variant in disease. Therefore, it has been classified as a Variant of Uncertain Significance.